The following is an entry in ClinVar:

ClinVar aggregate classification (germline): Uncertain significance. Review status: criteria provided, multiple submitters, no conflicts (2 of 4 stars). 2 submissions from 2 submitters: Uncertain significance (2). Last evaluated 2025-12-01.

Conditions:
Familial adenomatous polyposis 1 (FAP1). Also called: FAMILIAL ADENOMATOUS POLYPOSIS 1, ATTENUATED; POLYPOSIS, ADENOMATOUS INTESTINAL. Identifiers: MedGen C2713442, MONDO:0021056, OMIM 175100. Disease mechanism: loss of function.

Submissions (2):

Labcorp Genetics (formerly Invitae), Labcorp
Classification: Uncertain significance for Familial adenomatous polyposis 1. Last evaluated: 2025-12-01. Review status: criteria provided, single submitter. Criteria: Invitae Variant Classification Sherloc (09022015). Collection method: clinical testing. Allele origin: germline.
Comment: This sequence change replaces lysine, which is basic and polar, with arginine, which is basic and polar, at codon 2553 of the APC protein (p.Lys2553Arg). This variant is not present in population databases (gnomAD no frequency). This variant has not been reported in the literature in individuals affected with APC-related conditions. ClinVar contains an entry for this variant (Variation ID: 1720380). Invitae Evidence Modeling of protein sequence and biophysical properties (such as structural, functional, and spatial information, amino acid conservation, physicochemical variation, residue mobility, and thermodynamic stability) indicates that this missense variant is not expected to disrupt APC protein function with a negative predictive value of 95%. In summary, the available evidence is currently insufficient to determine the role of this variant in disease. Therefore, it has been classified as a Variant of Uncertain Significance.

Baylor Genetics
Classification: Uncertain significance for Familial adenomatous polyposis 1. Last evaluated: 2023-05-19. Review status: criteria provided, single submitter. Criteria: ACMG Guidelines, 2015. Collection method: clinical testing. Allele origin: unknown.

NM_000038.6(APC):c.7658A>G (p.Lys2553Arg)

Gene: APC (APC regulator of Wnt signaling pathway; plus strand). Cytogenetic location: 5q22.2.
Variant type: single nucleotide variant.
Coding change: c.7658A>G on transcript NM_000038.6 (MANE Select); coding-DNA position 7658, A replaced by G.
Protein change: p.Lys2553Arg; replaces lysine 2553 with arginine.
Molecular consequence: missense variant.
Genome position (GRCh38, 1-based): chr5:112,843,252, A>G. VCF-style: chr5-112843252-A-G. GRCh37 (hg19) VCF-style: chr5-112178949-A-G.
Other names: c.7658A>G, p.Lys2553Arg (NM_001127510.3, NM_001354895.2, NM_001407450.1); c.7604A>G, p.Lys2535Arg (NM_001127511.3); c.7712A>G, p.Lys2571Arg (NM_001354896.2, NM_001407447.1, NM_001407448.1 and 1 more transcripts); c.7688A>G, p.Lys2563Arg (NM_001354897.2); c.7583A>G, p.Lys2528Arg (NM_001354898.2); c.7574A>G, p.Lys2525Arg (NM_001354899.2); c.7535A>G, p.Lys2512Arg (NM_001354900.2); c.7481A>G, p.Lys2494Arg (NM_001354901.2, NM_001407453.1); and 11 more; short protein forms K2169R, K2270R, K2393R, K2424R, K2427R, K2452R, K2462R, K2470R.
Identifiers: ClinVar variation 1720380 (VCV001720380.7), dbSNP rs2149991434, ClinGen allele CA16037968.